The following is an entry in ClinVar:

NM_006846.4(SPINK5):c.2313+2T>G

Gene: SPINK5 (serine peptidase inhibitor Kazal type 5; plus strand). Cytogenetic location: 5q32.
Variant type: single nucleotide variant.
Coding change: c.2313+2T>G on transcript NM_006846.4 (MANE Select); the canonical splice donor site of the intron after coding-DNA position 2313, T replaced by G.
Molecular consequence: splice donor variant.
Genome position (GRCh38, 1-based): chr5:148,119,060, T>G. VCF-style: chr5-148119060-T-G. GRCh37 (hg19) VCF-style: chr5-147498623-T-G.
Other names: NC_000005.9:g.147498623T>G; c.2313+2T>G (NM_001127698.2, NM_001127699.2).
Identifiers: ClinVar variation 4312422 (VCV004312422.2).
Genomic context (GRCh38, chr5:148,119,060, plus strand): 5'-AGAGAAAAAATGAGTATTCTCGCTCCAGATCAAATGGGACTGGATCAGAATCAGGGAAGG[T>G]GAGTTATTTTTTGGGTTTTGGCAAGAATCGTCTTTCTGTGAGTCAGCAGTTGGCGATCAA-3'

ClinVar aggregate classification (germline): Likely pathogenic (1 of 4 stars; one submission).

Conditions:
Ichthyosis linearis circumflexa. Identifiers: MedGen C0265962, MONDO:0043106, HP:0025810.

gnomAD v4.1: 9 of 1,613,504 alleles (0.00056%); highest among the groups gnomAD compares: Admixed American, 0.0017%; no homozygotes.

Submissions (2):

Labcorp Genetics (formerly Invitae), Labcorp
Classification: Likely pathogenic for Ichthyosis linearis circumflexa. Last evaluated: 2025-05-08. Review status: criteria provided, single submitter. Criteria: Invitae Variant Classification Sherloc (09022015). Collection method: clinical testing. Allele origin: germline.
Comment: This sequence change affects a donor splice site in intron 24 of the SPINK5 gene. It is expected to disrupt RNA splicing. Variants that disrupt the donor or acceptor splice site typically lead to a loss of protein function (PMID: 16199547), and loss-of-function variants in SPINK5 are known to be pathogenic (PMID: 11511292, 11841556). The frequency data for this variant in the population databases is considered unreliable, as metrics indicate poor data quality at this position in the gnomAD database. This variant has not been reported in the literature in individuals affected with SPINK5-related conditions. Algorithms developed to predict the effect of sequence changes on RNA splicing suggest that this variant may disrupt the consensus splice site. In summary, the currently available evidence indicates that the variant is pathogenic, but additional data are needed to prove that conclusively. Therefore, this variant has been classified as Likely Pathogenic.

Dr. Peter K. Rogan Lab, Western University
No classification provided (evidence only). Condition: Clear cell carcinoma of kidney. Review status: no classification provided. Collection method: in vitro. Allele origin: not applicable. Functional consequence: skipped exon. Not counted in ClinVar's aggregate classification.

Literature cited by the submitters: PubMed 16199547 (cited by Labcorp Genetics (formerly Invitae), Labcorp); PubMed 11511292 (cited by Labcorp Genetics (formerly Invitae), Labcorp); PubMed 11841556 (cited by Labcorp Genetics (formerly Invitae), Labcorp).